The following is an entry in ClinVar:

ClinVar aggregate classification (germline): Conflicting classifications of pathogenicity. Review status: criteria provided, conflicting classifications (1 of 4 stars). 5 submissions from 5 submitters: Uncertain significance (3); Benign (1); Likely benign (1). Last evaluated 2026-05-12.

Conditions:
MYO15A-related disorder. Also called: MYO15A-related condition.
Autosomal recessive nonsyndromic hearing loss 3. Also called: NEUROSENSORY NONSYNDROMIC RECESSIVE DEAFNESS 3. Identifiers: Orphanet 90636, MedGen C1838263, MONDO:0010860, OMIM 600316.

Allele frequency attached by ClinVar (database versions not stated): gnomAD 0.00006; gnomAD exomes 0.00009 and 0.00037; TOPMed 0.00018.

Submissions (5):

PreventionGenetics, part of Exact Sciences
Classification: Likely benign for MYO15A-related condition. Last evaluated: 2026-05-12. Review status: criteria provided, single submitter. Criteria: ACMG Guidelines, 2015. Collection method: clinical testing. Allele origin: germline.
Comment: This variant is classified as likely benign based on ACMG/AMP sequence variant interpretation guidelines (Richards et al. 2015 PMID: 25741868, with internal and published modifications).

Labcorp Genetics (formerly Invitae), Labcorp
Classification: Benign. Last evaluated: 2025-10-14. Review status: criteria provided, single submitter. Criteria: Invitae Variant Classification Sherloc (09022015). Collection method: clinical testing. Allele origin: germline.

Blueprint Genetics
Classification: Uncertain significance. Last evaluated: 2021-09-26. Review status: criteria provided, single submitter. Criteria: ACMG Guidelines, 2015. Collection method: clinical testing. Allele origin: germline.

Fulgent Genetics
Classification: Uncertain significance for Autosomal recessive nonsyndromic hearing loss 3. Last evaluated: 2021-07-28. Review status: criteria provided, single submitter. Criteria: ACMG Guidelines, 2015. Collection method: clinical testing. Allele origin: unknown.

GeneDx
Classification: Uncertain significance. Last evaluated: 2021-04-13. Review status: criteria provided, single submitter. Criteria: GeneDx Variant Classification Process June 2021. Collection method: clinical testing. Allele origin: germline. Affected: yes.
Comment: In silico analysis, which includes protein predictors and evolutionary conservation, supports that this variant does not alter protein structure/function; Has not been previously published as pathogenic or benign to our knowledge

NM_016239.4(MYO15A):c.2174C>G (p.Pro725Arg)

Gene: MYO15A (myosin XVA; plus strand). Cytogenetic location: 17p11.2.
Variant type: single nucleotide variant.
Coding change: c.2174C>G on transcript NM_016239.4 (MANE Select); coding-DNA position 2174, C replaced by G.
Protein change: p.Pro725Arg; replaces proline 725 with arginine.
Molecular consequence: missense variant.
Genome position (GRCh38, 1-based): chr17:18,120,974, C>G. VCF-style: chr17-18120974-C-G. GRCh37 (hg19) VCF-style: chr17-18024288-C-G.
Other names: short protein forms P725R.
Identifiers: ClinVar variation 1254646 (VCV001254646.10), dbSNP rs781006180, ClinGen allele CA8423234.
Genomic context (GRCh38, chr17:18,120,974, plus strand): 5'-CCGCCCCAGCGCACGTGCCACCGGCGCCGCAGGCCAGCTGGTGGGCCTTCGTGGAGCCCC[C>G]TGCCGTGAGCCCGGAGGTGCCCCCCGACCTACTAGCCTTCCCAGGGCCCCGACCCTCGTT-3'
Protein context (NP_057323.3, residues 715-735): QASWWAFVEP[Pro725Arg]AVSPEVPPDL